The following is an entry in ClinVar:

NM_003737.4(DCHS1):c.614C>T (p.Pro205Leu)

Gene: DCHS1 (dachsous cadherin-related 1; minus strand). Cytogenetic location: 11p15.4.
Variant type: single nucleotide variant.
Coding change: c.614C>T on transcript NM_003737.4 (MANE Select); coding-DNA position 614, C replaced by T.
Protein change: p.Pro205Leu; replaces proline 205 with leucine.
Molecular consequence: missense variant.
Genome position (GRCh38, 1-based): chr11:6,641,000, G>A on the plus strand (C>T on the coding strand, the complement: DCHS1 is on the minus strand). VCF-style: chr11-6641000-G-A. GRCh37 (hg19) VCF-style: chr11-6662231-G-A.
Other names: short protein forms P205L.
Identifiers: ClinVar variation 1708648 (VCV001708648.2), dbSNP rs2493842883, ClinGen allele CA379441514.

ClinVar aggregate classification (germline): Uncertain significance (1 of 4 stars; one submission).

Allele frequency attached by ClinVar (database versions not stated): gnomAD exomes below 0.00001.
gnomAD v4.1: 1 of 1,614,036 alleles (0.000062%); highest among the groups gnomAD compares: Non-Finnish European, 0.000085%; no homozygotes.

Submission:

GeneDx
Classification: Uncertain significance. Last evaluated: 2022-04-06. Review status: criteria provided, single submitter. Criteria: GeneDx Variant Classification Process June 2021. Collection method: clinical testing. Allele origin: germline. Affected: yes.
Comment: Not observed at significant frequency in large population cohorts (gnomAD); In silico analysis supports that this missense variant does not alter protein structure/function; Has not been previously published as pathogenic or benign to our knowledge